The following is an entry in ClinVar:

ClinVar aggregate classification (germline): Uncertain significance (1 of 4 stars; one submission).

Allele frequency attached by ClinVar (database versions not stated): gnomAD exomes below 0.00001; ExAC 0.00001; ESP Exome Variant Server 0.00008.
gnomAD v4.1: 2 of 1,614,050 alleles (0.00012%); highest among the groups gnomAD compares: African/African-American, 0.0013%; no homozygotes.

Submission:

Labcorp Genetics (formerly Invitae), Labcorp
Classification: Uncertain significance. Last evaluated: 2024-01-29. Review status: criteria provided, single submitter. Criteria: Invitae Variant Classification Sherloc (09022015). Collection method: clinical testing. Allele origin: germline.
Comment: This sequence change replaces phenylalanine, which is neutral and non-polar, with serine, which is neutral and polar, at codon 288 of the EIF2B2 protein (p.Phe288Ser). This variant is present in population databases (rs376944725, gnomAD 0.004%). This missense change has been observed in individual(s) with vanishing white matter (PMID: 33432707). ClinVar contains an entry for this variant (Variation ID: 2039076). Advanced modeling of protein sequence and biophysical properties (such as structural, functional, and spatial information, amino acid conservation, physicochemical variation, residue mobility, and thermodynamic stability) performed at Invitae indicates that this missense variant is not expected to disrupt EIF2B2 protein function with a negative predictive value of 80%. In summary, the available evidence is currently insufficient to determine the role of this variant in disease. Therefore, it has been classified as a Variant of Uncertain Significance.

Literature cited by the submitters: PubMed 33432707.

NM_014239.4(EIF2B2):c.863T>C (p.Phe288Ser)

Gene: EIF2B2 (eukaryotic translation initiation factor 2B subunit beta; plus strand). Cytogenetic location: 14q24.3.
Variant type: single nucleotide variant.
Coding change: c.863T>C on transcript NM_014239.4 (MANE Select); coding-DNA position 863, T replaced by C.
Protein change: p.Phe288Ser; replaces phenylalanine 288 with serine.
Molecular consequence: missense variant.
Genome position (GRCh38, 1-based): chr14:75,007,753, T>C. VCF-style: chr14-75007753-T-C. GRCh37 (hg19) VCF-style: chr14-75474456-T-C.
Other names: short protein forms F288S.
Identifiers: ClinVar variation 2039076 (VCV002039076.4), dbSNP rs376944725, ClinGen allele CA7275088.